The following is an entry in ClinVar:

NM_005559.4(LAMA1):c.221C>T (p.Ala74Val)

Gene: LAMA1 (laminin subunit alpha 1; minus strand). Cytogenetic location: 18p11.31.
Variant type: single nucleotide variant.
Coding change: c.221C>T on transcript NM_005559.4 (MANE Select); coding-DNA position 221, C replaced by T.
Protein change: p.Ala74Val; replaces alanine 74 with valine.
Molecular consequence: missense variant.
Genome position (GRCh38, 1-based): chr18:7,080,298, G>A on the plus strand (C>T on the coding strand, the complement: LAMA1 is on the minus strand). VCF-style: chr18-7080298-G-A. GRCh37 (hg19) VCF-style: chr18-7080297-G-A.
Other names: c.221C>T (NM_005559.3); short protein forms A74V.
Identifiers: ClinVar variation 1990511 (VCV001990511.6), dbSNP rs1006088949, ClinGen allele CA295790650.

ClinVar aggregate classification (germline): Uncertain significance. Review status: criteria provided, multiple submitters, no conflicts (2 of 4 stars). 2 submissions from 2 submitters: Uncertain significance (2). Last evaluated 2023-03-01.

Conditions:
Inborn genetic diseases. Identifiers: MedGen C0950123, MeSH D030342.

Allele frequency attached by ClinVar (database versions not stated): gnomAD exomes 0.00001; gnomAD 0.00002; TOPMed 0.00002.
gnomAD v4.1: 15 of 1,614,112 alleles (0.00093%); highest among the groups gnomAD compares: Non-Finnish European, 0.0013%; no homozygotes.

Submissions (2):

Ambry Genetics
Classification: Uncertain significance for Inborn genetic diseases. Last evaluated: 2023-03-01. Review status: criteria provided, single submitter. Criteria: Ambry Variant Classification Scheme 2023. Collection method: clinical testing. Allele origin: germline.

Labcorp Genetics (formerly Invitae), Labcorp
Classification: Uncertain significance. Last evaluated: 2022-05-15. Review status: criteria provided, single submitter. Criteria: Invitae Variant Classification Sherloc (09022015). Collection method: clinical testing. Allele origin: germline.
Comment: In summary, the available evidence is currently insufficient to determine the role of this variant in disease. Therefore, it has been classified as a Variant of Uncertain Significance. Algorithms developed to predict the effect of missense changes on protein structure and function output the following: SIFT: "Tolerated"; PolyPhen-2: "Benign"; Align-GVGD: "Class C0". The valine amino acid residue is found in multiple mammalian species, which suggests that this missense change does not adversely affect protein function. This variant has not been reported in the literature in individuals affected with LAMA1-related conditions. This variant is present in population databases (no rsID available, gnomAD 0.007%). This sequence change replaces alanine, which is neutral and non-polar, with valine, which is neutral and non-polar, at codon 74 of the LAMA1 protein (p.Ala74Val).